The following is an entry in ClinVar:

ClinVar aggregate classification (germline): Uncertain significance. Review status: criteria provided, multiple submitters, no conflicts (2 of 4 stars). 2 submissions from 2 submitters: Uncertain significance (2). Last evaluated 2024-07-15.

Conditions:
Hereditary cancer-predisposing syndrome. Also called: Hereditary Cancer Syndrome; Hereditary neoplastic syndrome; Neoplastic Syndromes, Hereditary; Tumor predisposition. Identifiers: Orphanet 140162, MedGen C0027672, MeSH D009386, MONDO:0015356.

Submissions (2):

Ambry Genetics
Classification: Uncertain significance for Hereditary cancer-predisposing syndrome. Last evaluated: 2024-07-15. Review status: criteria provided, single submitter. Criteria: Ambry Variant Classification Scheme 2023. Collection method: clinical testing. Allele origin: germline.
Comment: The p.S1747L variant (also known as c.5240C>T), located in coding exon 23 of the DICER1 gene, results from a C to T substitution at nucleotide position 5240. The serine at codon 1747 is replaced by leucine, an amino acid with dissimilar properties. This amino acid position is highly conserved in available vertebrate species. In addition, this alteration is predicted to be deleterious by in silico analysis. Since supporting evidence is limited at this time, the clinical significance of this alteration remains unclear.

Sema4
Classification: Uncertain significance for Hereditary cancer-predisposing syndrome. Last evaluated: 2021-08-23. Review status: criteria provided, single submitter. Criteria: Sema4 Curation Guidelines. Collection method: curation. Allele origin: germline.
Comment: To the best of our knowledge, the DICER1 c.5240C>T (p.S1747L) variant has not been reported in individuals with DICER1-related disease. This variant is not reported in the population database Genome Aggregation Database (PMID: 32461654) and has not been reported in ClinVar. Functional studies have not been performed, and in silico predictions of the variant's effect on protein function are inconclusive. Based on the current evidence available, this variant is interpreted as a variant of uncertain significance.

NM_177438.3(DICER1):c.5240C>T (p.Ser1747Leu)

Gene: DICER1 (dicer 1, ribonuclease III; minus strand). Cytogenetic location: 14q32.13.
Variant type: single nucleotide variant.
Coding change: c.5240C>T on transcript NM_177438.3 (MANE Select); coding-DNA position 5240, C replaced by T.
Protein change: p.Ser1747Leu; replaces serine 1747 with leucine.
Molecular consequence: missense variant. On other transcripts: non-coding transcript variant (6).
Genome position (GRCh38, 1-based): chr14:95,094,012, G>A on the plus strand (C>T on the coding strand, the complement: DICER1 is on the minus strand). VCF-style: chr14-95094012-G-A. GRCh37 (hg19) VCF-style: chr14-95560349-G-A.
Other names: c.5240C>T, p.Ser1747Leu (NM_001195573.1, NM_001271282.3, NM_001291628.2 and 8 more transcripts); c.4958C>T, p.Ser1653Leu (NM_001395686.1); c.4835C>T, p.Ser1612Leu (NM_001395687.1, NM_001395688.1, NM_001395689.1 and 1 more transcripts); c.3557C>T, p.Ser1186Leu (NM_001395697.1); c.4673C>T, p.Ser1558Leu (NM_001395691.1); short protein forms S1186L, S1558L, S1612L, S1653L, S1747L.
Identifiers: ClinVar variation 1692095 (VCV001692095.4), dbSNP rs2139812789, ClinGen allele CA390865141.